The following is an entry in ClinVar:

NM_000981.4(RPL19):c.125G>A (p.Arg42Gln)

Gene: RPL19 (ribosomal protein L19; plus strand). Cytogenetic location: 17q12.
Variant type: single nucleotide variant.
Coding change: c.125G>A on transcript NM_000981.4 (MANE Select); coding-DNA position 125, G replaced by A.
Protein change: p.Arg42Gln; replaces arginine 42 with glutamine.
Molecular consequence: missense variant.
Genome position (GRCh38, 1-based): chr17:39,202,329, G>A. VCF-style: chr17-39202329-G-A. GRCh37 (hg19) VCF-style: chr17-37358582-G-A.
Other names: c.119G>A, p.Arg40Gln (NM_001330200.1); short protein forms R40Q, R42Q.
Identifiers: ClinVar variation 2170371 (VCV002170371.4), dbSNP rs767499480, ClinGen allele CA8528846.

ClinVar aggregate classification (germline): Uncertain significance (1 of 4 stars; one submission).

Allele frequency attached by ClinVar (database versions not stated): ExAC 0.00001; gnomAD exomes 0.00001.
gnomAD v4.1: 7 of 1,613,856 alleles (0.00043%); highest among the groups gnomAD compares: Non-Finnish European, 0.00059%; no homozygotes.

Submission:

Labcorp Genetics (formerly Invitae), Labcorp
Classification: Uncertain significance. Last evaluated: 2022-10-14. Review status: criteria provided, single submitter. Criteria: Invitae Variant Classification Sherloc (09022015). Collection method: clinical testing. Allele origin: germline.
Comment: This variant is present in population databases (rs767499480, gnomAD 0.0009%). This sequence change replaces arginine, which is basic and polar, with glutamine, which is neutral and polar, at codon 42 of the RPL19 protein (p.Arg42Gln). This variant has not been reported in the literature in individuals affected with RPL19-related conditions. Algorithms developed to predict the effect of missense changes on protein structure and function are either unavailable or do not agree on the potential impact of this missense change (SIFT: "Deleterious"; PolyPhen-2: "Benign"; Align-GVGD: "Class C0"). In summary, the available evidence is currently insufficient to determine the role of this variant in disease. Therefore, it has been classified as a Variant of Uncertain Significance.